The following is an entry in ClinVar:

ClinVar aggregate classification (germline): Likely benign. Review status: criteria provided, multiple submitters, no conflicts (2 of 4 stars). 2 submissions from 2 submitters: Likely benign (2). Last evaluated 2024-07-01.

Conditions:
Stormorken syndrome (STRMK). Also called: THROMBOCYTOPATHY, ASPLENIA, AND MIOSIS. Identifiers: Orphanet 3204, MedGen C1861451, MONDO:0008497, OMIM 185070.
Myopathy with tubular aggregates (TAM). Also called: Tubular Aggregate Myopathy. Identifiers: Orphanet 2593, MedGen C0410207, MONDO:0008051.
Combined immunodeficiency due to STIM1 deficiency. Also called: STIM1 DEFICIENCY; IMMUNODEFICIENCY 10. Identifiers: Orphanet 169090, Orphanet 317430, MedGen C2748557, MONDO:0013008, OMIM 612783.

Allele frequency attached by ClinVar (database versions not stated): gnomAD exomes below 0.00001.
gnomAD v4.1: 2 of 1,614,082 alleles (0.00012%); highest among the groups gnomAD compares: Non-Finnish European, 0.000085%; no homozygotes.

Submissions (2):

CeGaT Center for Human Genetics Tuebingen
Classification: Likely benign. Last evaluated: 2024-07-01. Review status: criteria provided, single submitter. Criteria: CeGaT Center For Human Genetics Tuebingen Variant Classification Criteria Version 2. Collection method: clinical testing. Allele origin: germline. Affected: yes. Observed: 1 variant allele.
Comment: STIM1: PM2:Supporting, BP4, BP7

Labcorp Genetics (formerly Invitae), Labcorp
Classification: Likely benign for Myopathy with tubular aggregates; Combined immunodeficiency due to STIM1 deficiency; Stormorken syndrome. Last evaluated: 2021-11-02. Review status: criteria provided, single submitter. Criteria: Invitae Variant Classification Sherloc (09022015). Collection method: clinical testing. Allele origin: germline.

NM_001382567.1(STIM1):c.516C>G (p.Thr172=)

Gene: STIM1 (stromal interaction molecule 1; plus strand). Cytogenetic location: 11p15.4.
Variant type: single nucleotide variant.
Coding change: c.516C>G on transcript NM_001382567.1 (MANE Select); coding-DNA position 516, C replaced by G.
Protein change: p.Thr172=; no amino-acid change (threonine 172 retained).
Molecular consequence: synonymous variant. On other transcripts: non-coding transcript variant (3), intron variant (1).
Genome position (GRCh38, 1-based): chr11:4,059,299, C>G. VCF-style: chr11-4059299-C-G. GRCh37 (hg19) VCF-style: chr11-4080529-C-G.
Other names: c.516C>G, p.Thr172= (NM_001277961.3, NM_001277962.2, NM_001382568.1 and 2 more transcripts); c.294C>G, p.Thr98= (NM_001382566.1, NM_001382573.1, NM_001382574.1 and 5 more transcripts); c.381C>G, p.Thr127= (NM_001382569.1); c.36C>G, p.Thr12= (NM_001382571.1); c.27C>G, p.Thr9= (NM_001382580.1, NM_001382581.1); c.386-10727C>G (NM_001382570.1).
Identifiers: ClinVar variation 1554433 (VCV001554433.25), dbSNP rs2133104553, ClinGen allele CA472802278.
Genomic context (GRCh38, chr11:4,059,299, plus strand): 5'-TTTACTGGGAGGGAACTGATCTGCTACTCTTTGCCTCAACAGGCTGGCTGTCACCAACAC[C>G]ACCATGACAGGGACTGTGCTGAAGATGACAGACCGGAGTCATCGGCAGAAGCTGCAGCTG-3'
Protein context (NP_001369496.1, residues 162-182): HAMPRLAVTN[Thr172=]TMTGTVLKMT